The following is an entry in ClinVar:

ClinVar aggregate classification (germline): Uncertain significance (1 of 4 stars; one submission).

Conditions:
Fabry disease. Also called: ALPHA-GALACTOSIDASE A DEFICIENCY; ANDERSON-FABRY DISEASE; CERAMIDE TRIHEXOSIDASE DEFICIENCY; GLA DEFICIENCY; HEREDITARY DYSTOPIC LIPIDOSIS; Angiokeratoma corporis diffusum. Identifiers: Orphanet 324, MedGen C0002986, MONDO:0010526, OMIM 301500, HP:0001071. Disease mechanism: Fabry disease is due to inactivating mutations in the X-linked GLA gene resulting in deficiency of the enzyme Alpha Galactosidase-A., loss of function.

Submission:

Genomenon, Inc
Classification: Uncertain significance for Fabry disease. Last evaluated: 2026-09-08. Review status: criteria provided, single submitter. Criteria: Genomenon Sequence Variant Interpretation Standards - Updated. Collection method: curation. Allele origin: germline. Affected: no.
Comment: GLA p.Ser188Ala (c.562T>G) is a missense variant that changes the amino acid at codon 188 from Serine to Alanine. This variant has been reported in the published literature (PMID:32023956). It is absent or not present at a significant frequency in gnomAD. In conclusion, we classify GLA p.Ser188Ala (c.562T>G) as a variant of uncertain significance.

Literature cited by the submitters: PubMed 32023956.

NM_000169.3(GLA):c.562T>G (p.Ser188Ala)

Genes: GLA (galactosidase alpha; minus strand), RPL36A-HNRNPH2 (RPL36A-HNRNPH2 readthrough; plus strand). Cytogenetic location: Xq22.1.
Variant type: single nucleotide variant.
Coding change: c.562T>G on transcript NM_000169.3 (MANE Select); coding-DNA position 562, T replaced by G.
Protein change: p.Ser188Ala; replaces serine 188 with alanine.
Molecular consequence: missense variant. On other transcripts: non-coding transcript variant (2), intron variant (2).
Genome position (GRCh38, 1-based): chrX:101,400,743, A>C on the plus strand (T>G on the coding strand, the complement: GLA is on the minus strand). VCF-style: chrX-101400743-A-C. GRCh37 (hg19) VCF-style: chrX-100655731-A-C.
Other names: c.685T>G, p.Ser229Ala (NM_001406747.1); c.562T>G, p.Ser188Ala (NM_001406748.1); c.300+5286A>C (NM_001199973.2); c.177+8921A>C (NM_001199974.2); short protein forms S188A, S229A.
Identifiers: ClinVar variation 4087421 (VCV004087421.2).